The following is an entry in ClinVar:

NM_017934.7(PHIP):c.717G>T (p.Met239Ile)

Gene: PHIP (PHIP subunit of CUL4-Ring ligase complex; minus strand). Cytogenetic location: 6q14.1.
Variant type: single nucleotide variant.
Coding change: c.717G>T on transcript NM_017934.7 (MANE Select); coding-DNA position 717, G replaced by T.
Protein change: p.Met239Ile; replaces methionine 239 with isoleucine.
Molecular consequence: missense variant.
Genome position (GRCh38, 1-based): chr6:79,026,048, C>A on the plus strand (G>T on the coding strand, the complement: PHIP is on the minus strand). VCF-style: chr6-79026048-C-A. GRCh37 (hg19) VCF-style: chr6-79735765-C-A.
Other names: short protein forms M239I.
Identifiers: ClinVar variation 3348196 (VCV003348196.1).

ClinVar aggregate classification (germline): Uncertain significance (0 of 4 stars; one submission).

Conditions:
PHIP-related disorder. Also called: PHIP-related condition; PHIP-related disorders.

gnomAD v4.1: 1 of 1,613,896 alleles (0.000062%); highest among the groups gnomAD compares: African/African-American, 0.0013%; no homozygotes.

Submission:

PreventionGenetics, part of Exact Sciences
Classification: Uncertain significance for PHIP-related condition. Last evaluated: 2024-02-08. Review status: no assertion criteria provided. Collection method: clinical testing. Allele origin: germline.
Comment: The PHIP c.717G>T variant is predicted to result in the amino acid substitution p.Met239Ile. To our knowledge, this variant has not been reported in the literature. This variant is reported in 0.0062% of alleles in individuals of African descent in gnomAD. At this time, the clinical significance of this variant is uncertain due to the absence of conclusive functional and genetic evidence.